The following is an entry in ClinVar:

ClinVar aggregate classification (germline): Uncertain significance (1 of 4 stars; one submission).

Conditions:
Hereditary cancer-predisposing syndrome. Also called: Neoplastic Syndromes, Hereditary; Tumor predisposition; Hereditary Cancer Syndrome; Hereditary neoplastic syndrome. Identifiers: Orphanet 140162, MedGen C0027672, MeSH D009386, MONDO:0015356.

Submission:

Ambry Genetics
Classification: Uncertain significance for Hereditary cancer-predisposing syndrome. Last evaluated: 2022-02-03. Review status: criteria provided, single submitter. Criteria: Ambry Variant Classification Scheme 2023. Collection method: clinical testing. Allele origin: germline.
Comment: The p.K253R variant (also known as c.758A>G), located in coding exon 5 of the CHEK2 gene, results from an A to G substitution at nucleotide position 758. The lysine at codon 253 is replaced by arginine, an amino acid with highly similar properties. This amino acid position is conserved. In addition, the in silico prediction for this alteration is inconclusive. Since supporting evidence is limited at this time, the clinical significance of this alteration remains unclear.

NM_007194.4(CHEK2):c.758A>G (p.Lys253Arg)

Gene: CHEK2 (checkpoint kinase 2; minus strand). Cytogenetic location: 22q12.1.
Variant type: single nucleotide variant.
Coding change: c.758A>G on transcript NM_007194.4 (MANE Select); coding-DNA position 758, A replaced by G.
Protein change: p.Lys253Arg; replaces lysine 253 with arginine.
Molecular consequence: missense variant.
Genome position (GRCh38, 1-based): chr22:28,711,943, T>C on the plus strand (A>G on the coding strand, the complement: CHEK2 is on the minus strand). VCF-style: chr22-28711943-T-C. GRCh37 (hg19) VCF-style: chr22-29107931-T-C.
Other names: c.887A>G, p.Lys296Arg (NM_001005735.3); c.95A>G, p.Lys32Arg (NM_001257387.3); c.557A>G, p.Lys186Arg (NM_001349956.3); c.758A>G, p.Lys253Arg (NM_145862.3); short protein forms K296R, K186R, K32R, K253R.
Identifiers: ClinVar variation 1759646 (VCV001759646.2), dbSNP rs2517960636, ClinGen allele CA411103183.